The following is an entry in ClinVar:

NM_000321.3(RB1):c.1498+6T>A

Gene: RB1 (RB transcriptional corepressor 1; plus strand). Cytogenetic location: 13q14.2.
Variant type: single nucleotide variant.
Coding change: c.1498+6T>A on transcript NM_000321.3 (MANE Select); 6 bases into the intron after coding-DNA position 1498, T replaced by A.
Molecular consequence: intron variant.
Genome position (GRCh38, 1-based): chr13:48,380,247, T>A. VCF-style: chr13-48380247-T-A. GRCh37 (hg19) VCF-style: chr13-48954383-T-A.
Identifiers: ClinVar variation 1512449 (VCV001512449.6), dbSNP rs2138143240, ClinGen allele CA2573149611.

ClinVar aggregate classification (germline): Uncertain significance (1 of 4 stars; one submission).

Conditions:
Retinoblastoma (RB1). Also called: RETINOBLASTOMA, SOMATIC. Identifiers: Orphanet 790, MedGen C0035335, MeSH D012175, MONDO:0008380, OMIM 180200, HP:0009919. Disease mechanism: loss of function. Inheritance: Both sporadic and heritable forms are tested..

Submission:

Labcorp Genetics (formerly Invitae), Labcorp
Classification: Uncertain significance for Retinoblastoma. Last evaluated: 2021-02-21. Review status: criteria provided, single submitter. Criteria: Invitae Variant Classification Sherloc (09022015). Collection method: clinical testing. Allele origin: germline.
Comment: This sequence change falls in intron 16 of the RB1 gene. It does not directly change the encoded amino acid sequence of the RB1 protein. It affects a nucleotide within the consensus splice site of the intron. This variant is not present in population databases (ExAC no frequency). This variant has not been reported in the literature in individuals with RB1-related conditions. Nucleotide substitutions within the consensus splice site are a relatively common cause of aberrant splicing (PMID: 17576681, 9536098). Algorithms developed to predict the effect of sequence changes on RNA splicing suggest that this variant may disrupt the consensus splice site, but this prediction has not been confirmed by published transcriptional studies. In summary, the available evidence is currently insufficient to determine the role of this variant in disease. Therefore, it has been classified as a Variant of Uncertain Significance.

Literature cited by the submitters: PubMed 17576681; PubMed 9536098.